The following is an entry in ClinVar:

NM_001128840.3(CACNA1D):c.6465G>A (p.Met2155Ile)

Gene: CACNA1D (calcium voltage-gated channel subunit alpha1 D; plus strand). Cytogenetic location: 3p21.1.
Variant type: single nucleotide variant.
Coding change: c.6465G>A on transcript NM_001128840.3 (MANE Select); coding-DNA position 6465, G replaced by A.
Protein change: p.Met2155Ile; replaces methionine 2155 with isoleucine.
Molecular consequence: missense variant.
Genome position (GRCh38, 1-based): chr3:53,811,385, G>A. VCF-style: chr3-53811385-G-A. GRCh37 (hg19) VCF-style: chr3-53845412-G-A.
Other names: c.6525G>A, p.Met2175Ile (NM_000720.4); c.6393G>A, p.Met2131Ile (NM_001128839.3); short protein forms M2131I, M2155I, M2175I.
Identifiers: ClinVar variation 3621568 (VCV003621568.2).

ClinVar aggregate classification (germline): Uncertain significance (1 of 4 stars; one submission).

Submission:

Labcorp Genetics (formerly Invitae), Labcorp
Classification: Uncertain significance. Last evaluated: 2024-02-08. Review status: criteria provided, single submitter. Criteria: Invitae Variant Classification Sherloc (09022015). Collection method: clinical testing. Allele origin: germline.
Comment: This sequence change replaces methionine, which is neutral and non-polar, with isoleucine, which is neutral and non-polar, at codon 2175 of the CACNA1D protein (p.Met2175Ile). This variant is not present in population databases (gnomAD no frequency). This variant has not been reported in the literature in individuals affected with CACNA1D-related conditions. An algorithm developed to predict the effect of missense changes on protein structure and function (PolyPhen-2) suggests that this variant is likely to be disruptive. In summary, the available evidence is currently insufficient to determine the role of this variant in disease. Therefore, it has been classified as a Variant of Uncertain Significance.